The following is an entry in ClinVar:

NC_000018.9:g.(?_29110940)_(29118951_?)del

Gene: DSG2 (desmoglein 2; plus strand). Cytogenetic location: 18q12.1.
Variant type: Deletion.
Identifiers: ClinVar variation 3242753 (VCV003242753.1).

ClinVar aggregate classification (germline): Pathogenic (1 of 4 stars; one submission).

Conditions:
Arrhythmogenic right ventricular dysplasia 10. Also called: Arrhythmogenic Right Ventricular Dysplasia/Cardiomyopathy10; Arrhythmogenic right ventricular dysplasia/cardiomyopathy, type 10; ARRHYTHMOGENIC RIGHT VENTRICULAR DYSPLASIA, FAMILIAL, 10. Identifiers: MedGen C1857777, MONDO:0012434, OMIM 610193.

Submission:

Labcorp Genetics (formerly Invitae), Labcorp
Classification: Pathogenic for Arrhythmogenic right ventricular dysplasia 10. Last evaluated: 2022-11-24. Review status: criteria provided, single submitter. Criteria: Invitae Variant Classification Sherloc (09022015). Collection method: clinical testing. Allele origin: unknown.
Comment: For these reasons, this variant has been classified as Pathogenic. This variant has not been reported in the literature in individuals affected with DSG2-related conditions. This variant is a gross deletion of the genomic region encompassing exon(s) 9-12 of the DSG2 gene. This deletion is out-of-frame, and is expected to create a premature termination codon and result in an absent or disrupted protein product. Loss-of-function variants in DSG2 are known to be pathogenic (PMID: 17105751, 31386562).

Literature cited by the submitters: PubMed 17105751; PubMed 31386562.